The following is an entry in ClinVar:

NM_017852.5(NLRP2):c.2554C>T (p.Leu852Phe)

Gene: NLRP2 (NLR family pyrin domain containing 2; plus strand). Cytogenetic location: 19q13.42.
Variant type: single nucleotide variant.
Coding change: c.2554C>T on transcript NM_017852.5 (MANE Select); coding-DNA position 2554, C replaced by T.
Protein change: p.Leu852Phe; replaces leucine 852 with phenylalanine.
Molecular consequence: missense variant. On other transcripts: non-coding transcript variant (1).
Genome position (GRCh38, 1-based): chr19:54,990,518, C>T. VCF-style: chr19-54990518-C-T. GRCh37 (hg19) VCF-style: chr19-55501886-C-T.
Other names: c.2554C>T, p.Leu852Phe (NM_001174081.3); c.2488C>T, p.Leu830Phe (NM_001174082.3); c.2485C>T, p.Leu829Phe (NM_001174083.2); c.2545C>T, p.Leu849Phe (NM_001348003.2); short protein forms L829F, L830F, L849F, L852F.
Identifiers: ClinVar variation 2502009 (VCV002502009.2), dbSNP rs2516674663, ClinGen allele CA407445352.

ClinVar aggregate classification (germline): Uncertain significance (1 of 4 stars; one submission).

Submission:

GeneDx
Classification: Uncertain significance. Last evaluated: 2023-07-31. Review status: criteria provided, single submitter. Criteria: GeneDx Variant Classification Process June 2021. Collection method: clinical testing. Allele origin: germline.
Comment: Not observed at significant frequency in large population cohorts (gnomAD); In silico analysis supports that this missense variant has a deleterious effect on protein structure/function; Has not been previously published as pathogenic or benign to our knowledge